The following is an entry in ClinVar:

NM_019842.4(KCNQ5):c.2007C>T (p.Ser669=)

Gene: KCNQ5 (potassium voltage-gated channel subfamily Q member 5; plus strand). Cytogenetic location: 6q13.
Variant type: single nucleotide variant.
Coding change: c.2007C>T on transcript NM_019842.4 (MANE Select); coding-DNA position 2007, C replaced by T.
Protein change: p.Ser669=; no amino-acid change (serine 669 retained).
Molecular consequence: synonymous variant.
Genome position (GRCh38, 1-based): chr6:73,194,622, C>T. VCF-style: chr6-73194622-C-T. GRCh37 (hg19) VCF-style: chr6-73904345-C-T.
Other names: c.1980C>T, p.Ser660= (NM_001160130.2); c.2037C>T, p.Ser679= (NM_001160132.2); c.2064C>T, p.Ser688= (NM_001160133.2); c.1677C>T, p.Ser559= (NM_001160134.2); c.2064C>T (NM_001160133.1).
Identifiers: ClinVar variation 1534391 (VCV001534391.32), dbSNP rs149548711, ClinGen allele CA3887186.
Genomic context (GRCh38, chr6:73,194,622, plus strand): 5'-TGAATGTGAACAGACATCTGACTATCAAAGCCCTGTGGATAGCAAAGATCTTTCGGGTTC[C>T]GCACAAAACAGTGGCTGCTTATCCAGATCAACTAGTGCCAACATCTCGAGAGGCCTGCAG-3'
Protein context (NP_062816.2, residues 659-679): SPVDSKDLSG[Ser669=]AQNSGCLSRS

ClinVar aggregate classification (germline): Benign/Likely benign. Review status: criteria provided, multiple submitters, no conflicts (2 of 4 stars). 3 submissions from 3 submitters: Benign (1); Likely benign (1). 1 of the submissions does not count toward it. Last evaluated 2025-12-21.

Conditions:
KCNQ5-related disorder. Also called: KCNQ5-related condition.

Allele frequency attached by ClinVar (database versions not stated): gnomAD exomes 0.00007 and 0.00011; ExAC 0.00010; 1000 Genomes Project 0.00020; 1000 Genomes Project 30x 0.00031; gnomAD 0.00046 and 0.00049; ESP Exome Variant Server 0.00054; TOPMed 0.00056.
gnomAD v4.1: 181 of 1,614,184 alleles (0.011%); highest among the groups gnomAD compares: African/African-American, 0.15%; no homozygotes.

Submissions (3):

Labcorp Genetics (formerly Invitae), Labcorp
Classification: Benign. Last evaluated: 2025-12-21. Review status: criteria provided, single submitter. Criteria: Invitae Variant Classification Sherloc (09022015). Collection method: clinical testing. Allele origin: germline.

CeGaT Center for Human Genetics Tuebingen
Classification: Likely benign. Last evaluated: 2023-02-01. Review status: criteria provided, single submitter. Criteria: CeGaT Center For Human Genetics Tuebingen Variant Classification Criteria Version 2. Collection method: clinical testing. Allele origin: germline. Affected: yes. Observed: 1 variant allele.
Comment: KCNQ5: BP4, BP7, BS1

PreventionGenetics, part of Exact Sciences
Classification: Likely benign for KCNQ5-related condition. Last evaluated: 2019-12-26. Review status: no assertion criteria provided. Collection method: clinical testing. Allele origin: germline. Not counted in ClinVar's aggregate classification.
Comment: This variant is classified as likely benign based on ACMG/AMP sequence variant interpretation guidelines (Richards et al. 2015 PMID: 25741868, with internal and published modifications).